The following is an entry in ClinVar:

ClinVar aggregate classification (germline): Uncertain significance (1 of 4 stars; one submission).

Conditions:
Combined immunodeficiency due to CTPS1 deficiency. Also called: Severe combined immunodeficiency due to CTPS1 deficiency; Immunodeficiency 24. Identifiers: Orphanet 420573, MedGen C4014617, MONDO:0014391, OMIM 615897.

Submission:

Labcorp Genetics (formerly Invitae), Labcorp
Classification: Uncertain significance for Combined immunodeficiency due to CTPS1 deficiency. Last evaluated: 2023-11-24. Review status: criteria provided, single submitter. Criteria: Invitae Variant Classification Sherloc (09022015). Collection method: clinical testing. Allele origin: germline.
Comment: This sequence change replaces serine, which is neutral and polar, with phenylalanine, which is neutral and non-polar, at codon 537 of the CTPS1 protein (p.Ser537Phe). This variant is not present in population databases (gnomAD no frequency). This variant has not been reported in the literature in individuals affected with CTPS1-related conditions. An algorithm developed to predict the effect of missense changes on protein structure and function (PolyPhen-2) suggests that this variant is likely to be disruptive. In summary, the available evidence is currently insufficient to determine the role of this variant in disease. Therefore, it has been classified as a Variant of Uncertain Significance.

NM_001905.4(CTPS1):c.1610C>T (p.Ser537Phe)

Gene: CTPS1 (CTP synthase 1; plus strand). Cytogenetic location: 1p34.2.
Variant type: single nucleotide variant.
Coding change: c.1610C>T on transcript NM_001905.4 (MANE Select); coding-DNA position 1610, C replaced by T.
Protein change: p.Ser537Phe; replaces serine 537 with phenylalanine.
Molecular consequence: missense variant. On other transcripts: non-coding transcript variant (1).
Genome position (GRCh38, 1-based): chr1:41,009,508, C>T. VCF-style: chr1-41009508-C-T. GRCh37 (hg19) VCF-style: chr1-41475180-C-T.
Other names: c.1142C>T, p.Ser381Phe (NM_001301237.2); short protein forms S381F, S537F.
Identifiers: ClinVar variation 2989701 (VCV002989701.3), dbSNP rs2524361786, ClinGen allele CA339906610.
Genomic context (GRCh38, chr1:41,009,508, plus strand): 5'-ATCCCTTTTTTGTTGGGGTTCAGTACCACCCTGAGTTCCTGTCCAGGCCTATCAAGCCCT[C>T]CCCACCATACTTTGGCCTCCTCCTGGCCTCTGTGGGGCGGCTCTCACATTACCTCCAGAA-3'
Protein context (NP_001896.2, residues 527-547): PEFLSRPIKP[Ser537Phe]PPYFGLLLAS